The following is an entry in ClinVar:

ClinVar aggregate classification (germline): Conflicting classifications of pathogenicity. Review status: criteria provided, conflicting classifications (1 of 4 stars). 4 submissions from 2 submitters: Uncertain significance (3); Benign (1). Last evaluated 2022-08-01.

Conditions:
Generalized juvenile polyposis/juvenile polyposis coli. Also called: Juvenile polyposis coli. Identifiers: Orphanet 329971, MedGen C1868081, MONDO:0008276.
Myhre syndrome (MYHRS). Also called: LARYNGOTRACHEAL STENOSIS, ARTHROPATHY, PROGNATHISM, AND SHORT STATURE; LAPS SYNDROME. Identifiers: Orphanet 2588, MedGen C0796081, MONDO:0007688, OMIM 139210.
Juvenile polyposis/hereditary hemorrhagic telangiectasia syndrome (JPHT). Also called: Juvenile Polyposis Syndrome / Hereditary Hemorrhagic Telangiectasia (JPS/HHT); POLYPOSIS, GENERALIZED JUVENILE, WITH PULMONARY ARTERIOVENOUS MALFORMATION; TELANGIECTASIA, HEREDITARY HEMORRHAGIC, WITH JUVENILE POLYPOSIS COLI; JP/HHT SYNDROME; JUVENILE POLYPOSIS WITH HEREDITARY HEMORRHAGIC TELANGIECTASIA. Identifiers: Orphanet 2929, MedGen C1832942, MONDO:0008278, OMIM 175050.

Allele frequency attached by ClinVar (database versions not stated): gnomAD 0.00005 and 0.00011; TOPMed 0.00009; gnomAD exomes 0.00012; 1000 Genomes Project 0.00040; 1000 Genomes Project 30x 0.00047.
gnomAD v4.1: 26 of 233,360 alleles (0.011%); highest among the groups gnomAD compares: South Asian, 0.24%; no homozygotes.

Submissions (4):

CeGaT Center for Human Genetics Tuebingen
Classification: Benign. Last evaluated: 2022-08-01. Review status: criteria provided, single submitter. Criteria: CeGaT Center For Human Genetics Tuebingen Variant Classification Criteria Version 2. Collection method: clinical testing. Allele origin: germline. Affected: yes. Observed: 1 variant allele.
Comment: SMAD4: BS1, BS2

Illumina Laboratory Services, Illumina
Classification: Uncertain significance for Juvenile polyposis syndrome. Last evaluated: 2018-01-12. Review status: criteria provided, single submitter. Criteria: ICSL Variant Classification Criteria 13 December 2019. Collection method: clinical testing. Allele origin: germline.

Illumina Laboratory Services, Illumina
Classification: Uncertain significance for Myhre syndrome. Last evaluated: 2018-01-12. Review status: criteria provided, single submitter. Criteria: ICSL Variant Classification Criteria 13 December 2019. Collection method: clinical testing. Allele origin: germline.

Illumina Laboratory Services, Illumina
Classification: Uncertain significance for Juvenile polyposis/hereditary hemorrhagic telangiectasia syndrome. Last evaluated: 2018-01-12. Review status: criteria provided, single submitter. Criteria: ICSL Variant Classification Criteria 13 December 2019. Collection method: clinical testing. Allele origin: germline.

NM_005359.6(SMAD4):c.*1067G>A

Gene: SMAD4 (SMAD family member 4; plus strand). Cytogenetic location: 18q21.2.
Variant type: single nucleotide variant.
Coding change: c.*1067G>A on transcript NM_005359.6 (MANE Select); 1067 bases downstream of the stop codon, G replaced by A.
Molecular consequence: 3 prime UTR variant.
Genome position (GRCh38, 1-based): chr18:51,079,534, G>A. VCF-style: chr18-51079534-G-A. GRCh37 (hg19) VCF-style: chr18-48605904-G-A.
Identifiers: ClinVar variation 327122 (VCV000327122.29), dbSNP rs542839921, ClinGen allele CA10651763.